The following is an entry in ClinVar:

NM_001845.6(COL4A1):c.4934C>T (p.Pro1645Leu)

Gene: COL4A1 (collagen type IV alpha 1 chain; minus strand). Cytogenetic location: 13q34.
Variant type: single nucleotide variant.
Coding change: c.4934C>T on transcript NM_001845.6 (MANE Select); coding-DNA position 4934, C replaced by T.
Protein change: p.Pro1645Leu; replaces proline 1645 with leucine.
Molecular consequence: missense variant.
Genome position (GRCh38, 1-based): chr13:110,150,439, G>A on the plus strand (C>T on the coding strand, the complement: COL4A1 is on the minus strand). VCF-style: chr13-110150439-G-A. GRCh37 (hg19) VCF-style: chr13-110802786-G-A.
Other names: short protein forms P1645L.
Identifiers: ClinVar variation 4688165 (VCV004688165.1).

ClinVar aggregate classification (germline): Uncertain significance (1 of 4 stars; one submission).

Conditions:
Autosomal dominant familial hematuria-retinal arteriolar tortuosity-contractures syndrome. Also called: Angiopathy, hereditary, with nephropathy, aneurysms, and muscle cramps; Hereditary Angiopathy with Nephropathy, Aneurysms, and Muscle Cramps (HANAC) Syndrome. Identifiers: Orphanet 73229, MedGen C2673195, MONDO:0012726, OMIM 611773.

gnomAD v4.1: 5 of 1,613,934 alleles (0.00031%); highest among the groups gnomAD compares: Non-Finnish European, 0.00042%; no homozygotes.

Submission:

MVZ Medizinische Genetik Mainz
Classification: Uncertain significance for Autosomal dominant familial hematuria-retinal arteriolar tortuosity-contractures syndrome. Last evaluated: 2025-12-17. Review status: criteria provided, single submitter. Criteria: UK Practice Guidelines For Variant Classification V4 01 2020. Collection method: clinical testing. Allele origin: germline. Inheritance: Autosomal dominant inheritance. Affected: yes. Observed: 1 variant allele.
Comment: ACMG Criteria: PP3_MOD,PM2_SUP